The following is an entry in ClinVar:

ClinVar aggregate classification (germline): Likely benign (1 of 4 stars; one submission).

gnomAD v4.1: 32 of 1,613,916 alleles (0.002%); highest among the groups gnomAD compares: Middle Eastern, 0.017%; no homozygotes.

Submission:

CeGaT Center for Human Genetics Tuebingen
Classification: Likely benign. Last evaluated: 2024-10-01. Review status: criteria provided, single submitter. Criteria: CeGaT Center For Human Genetics Tuebingen Variant Classification Criteria Version 2. Collection method: clinical testing. Allele origin: germline. Affected: yes. Observed: 1 variant allele.
Comment: ATP11A: BP4, BP7

NM_015205.3(ATP11A):c.1488G>A (p.Pro496=)

Gene: ATP11A (ATPase phospholipid transporting 11A; plus strand). Cytogenetic location: 13q34.
Variant type: single nucleotide variant.
Coding change: c.1488G>A on transcript NM_015205.3 (MANE Select); coding-DNA position 1488, G replaced by A.
Protein change: p.Pro496=; no amino-acid change (proline 496 retained).
Molecular consequence: synonymous variant.
Genome position (GRCh38, 1-based): chr13:112,832,952, G>A. VCF-style: chr13-112832952-G-A. GRCh37 (hg19) VCF-style: chr13-113487266-G-A.
Other names: c.1488G>A, p.Pro496= (NM_001405661.1, NM_001405662.1, NM_001405663.1 and 1 more transcripts).
Identifiers: ClinVar variation 3389356 (VCV003389356.14).